The following is an entry in ClinVar:

ClinVar aggregate classification (germline): Uncertain significance (1 of 4 stars; one submission).

Submission:

Dasa
Classification: Uncertain significance. Last evaluated: 2025-08-07. Review status: criteria provided, single submitter. Criteria: DASA Assertion Criteria. Collection method: clinical testing. Allele origin: germline.
Comment: NM_002025.4(AFF2):c.709A>G (p.Asn237Asp) is a missense variant that results in the substitution of asparagine with aspartic acid. This variant is absent from population databases. Computational prediction algorithms are consistent with a benign effect. The currently available literature and clinical evidence are not sufficient to establish a definitive association between this variant and the reported condition. Therefore, this variant is classified as a variant of uncertain significance.

NM_002025.4(AFF2):c.709A>G (p.Asn237Asp)

Gene: AFF2 (ALF transcription elongation factor 2; plus strand). Cytogenetic location: Xq28.
Variant type: single nucleotide variant.
Coding change: c.709A>G on transcript NM_002025.4 (MANE Select); coding-DNA position 709, A replaced by G.
Protein change: p.Asn237Asp; replaces asparagine 237 with aspartic acid.
Molecular consequence: missense variant.
Genome position (GRCh38, 1-based): chrX:148,662,436, A>G. VCF-style: chrX-148662436-A-G. GRCh37 (hg19) VCF-style: chrX-147743957-A-G.
Other names: c.697A>G, p.Asn233Asp (NM_001169122.2, NM_001169123.2, NM_001169125.2); c.709A>G, p.Asn237Asp (NM_001169124.2); short protein forms N233D, N237D.
Identifiers: ClinVar variation 4882300 (VCV004882300.2).